The following is an entry in ClinVar:

ClinVar aggregate classification (germline): Uncertain significance (1 of 4 stars; one submission).

Allele frequency attached by ClinVar (database versions not stated): gnomAD exomes below 0.00001.

Submission:

Labcorp Genetics (formerly Invitae), Labcorp
Classification: Uncertain significance. Last evaluated: 2025-03-03. Review status: criteria provided, single submitter. Criteria: Invitae Variant Classification Sherloc (09022015). Collection method: clinical testing. Allele origin: germline.
Comment: This sequence change replaces glycine, which is neutral and non-polar, with valine, which is neutral and non-polar, at codon 1149 of the SZT2 protein (p.Gly1149Val). This variant is present in population databases (no rsID available, gnomAD 0.0009%). This variant has not been reported in the literature in individuals affected with SZT2-related conditions. ClinVar contains an entry for this variant (Variation ID: 657855). Invitae Evidence Modeling of protein sequence and biophysical properties (such as structural, functional, and spatial information, amino acid conservation, physicochemical variation, residue mobility, and thermodynamic stability) indicates that this missense variant is not expected to disrupt SZT2 protein function with a negative predictive value of 80%. In summary, the available evidence is currently insufficient to determine the role of this variant in disease. Therefore, it has been classified as a Variant of Uncertain Significance.

NM_001365999.1(SZT2):c.3617G>T (p.Gly1206Val)

Gene: SZT2 (SZT2 subunit of KICSTOR complex; plus strand). Cytogenetic location: 1p34.2.
Variant type: single nucleotide variant.
Coding change: c.3617G>T on transcript NM_001365999.1 (MANE Select); coding-DNA position 3617, G replaced by T.
Protein change: p.Gly1206Val; replaces glycine 1206 with valine.
Molecular consequence: missense variant.
Genome position (GRCh38, 1-based): chr1:43,427,548, G>T. VCF-style: chr1-43427548-G-T. GRCh37 (hg19) VCF-style: chr1-43893219-G-T.
Other names: c.3446G>T, p.Gly1149Val (NM_015284.4); short protein forms G1149V, G1206V.
Identifiers: ClinVar variation 657855 (VCV000657855.9), dbSNP rs1457309757, ClinGen allele CA340018617.
Genomic context (GRCh38, chr1:43,427,548, plus strand): 5'-ACAGATAGAGCTGGAAGACCACGTGACACCTTTTCTTCACAGACAATGCCCAGAATCAAG[G>T]AGAGCTAAGTCCACCATTCCGTCGAGACTTACAGGCTTACGCTGGGCGTCAGGCTTCCCA-3'
Protein context (NP_001352928.1, residues 1196-1216): TLASDNAQNQ[Gly1206Val]ELSPPFRRDL